The following is an entry in ClinVar:

ClinVar aggregate classification (germline): Uncertain significance (1 of 4 stars; one submission).

Conditions:
ACP4-related disorder. Also called: ACP4-related condition.

gnomAD v4.1: 9 of 1,610,330 alleles (0.00056%); highest among the groups gnomAD compares: South Asian, 0.0099%; no homozygotes.

Submission:

PreventionGenetics, part of Exact Sciences
Classification: Uncertain significance for ACP4-related condition. Last evaluated: 2026-08-19. Review status: criteria provided, single submitter. Criteria: ACMG Guidelines, 2015. Collection method: clinical testing. Allele origin: germline.
Comment: The ACP4 c.428C>G variant is predicted to result in the amino acid substitution p.Thr143Arg. To our knowledge, this variant has not been reported in the literature. This variant is reported in 0.0066% of alleles in individuals of South Asian descent in gnomAD. At this time, the clinical significance of this variant is uncertain due to the absence of conclusive functional and genetic evidence.

NM_033068.3(ACP4):c.428C>G (p.Thr143Arg)

Gene: ACP4 (acid phosphatase 4; plus strand). Cytogenetic location: 19q13.33.
Variant type: single nucleotide variant.
Coding change: c.428C>G on transcript NM_033068.3 (MANE Select); coding-DNA position 428, C replaced by G.
Protein change: p.Thr143Arg; replaces threonine 143 with arginine.
Molecular consequence: missense variant.
Genome position (GRCh38, 1-based): chr19:50,791,780, C>G. VCF-style: chr19-50791780-C-G. GRCh37 (hg19) VCF-style: chr19-51295037-C-G.
Other names: short protein forms T143R.
Identifiers: ClinVar variation 4981290 (VCV004981290.1).
Genomic context (GRCh38, chr19:50,791,780, plus strand): 5'-TGTTTCCCGAGGCTGCTCCAGGGAGCCCCGAGGCCCGCTGGAGGCCGATCCCGGTGCACA[C>G]GGTGCCCGTGGCTGAGGATAAGGTCAGGGGGCTGGACCCACGTGTGGCGAGGGAGGGAGC-3'
Protein context (NP_149059.1, residues 133-153): EARWRPIPVH[Thr143Arg]VPVAEDKLLR